The following is an entry in ClinVar:

NM_000632.4(ITGAM):c.509A>G (p.Lys170Arg)

Gene: ITGAM (integrin subunit alpha M; plus strand). Cytogenetic location: 16p11.2.
Variant type: single nucleotide variant.
Coding change: c.509A>G on transcript NM_000632.4 (MANE Select); coding-DNA position 509, A replaced by G.
Protein change: p.Lys170Arg; replaces lysine 170 with arginine.
Molecular consequence: missense variant.
Genome position (GRCh38, 1-based): chr16:31,271,035, A>G. VCF-style: chr16-31271035-A-G. GRCh37 (hg19) VCF-style: chr16-31282356-A-G.
Other names: c.509A>G, p.Lys170Arg (NM_001145808.2); c.509A>G (NM_000632.3); short protein forms K170R.
Identifiers: ClinVar variation 3610139 (VCV003610139.3).

ClinVar aggregate classification (germline): Uncertain significance. Review status: criteria provided, multiple submitters, no conflicts (2 of 4 stars). 2 submissions from 2 submitters: Uncertain significance (2). Last evaluated 2025-08-06.

gnomAD v4.1: 7 of 1,583,882 alleles (0.00044%); highest among the groups gnomAD compares: East Asian, 0.0023%; no homozygotes.

Submissions (2):

Ambry Genetics
Classification: Uncertain significance. Last evaluated: 2025-08-06. Review status: criteria provided, single submitter. Criteria: Ambry Variant Classification Scheme 2023. Collection method: clinical testing. Allele origin: germline.

Labcorp Genetics (formerly Invitae), Labcorp
Classification: Uncertain significance. Last evaluated: 2024-09-11. Review status: criteria provided, single submitter. Criteria: Invitae Variant Classification Sherloc (09022015). Collection method: clinical testing. Allele origin: germline.
Comment: This sequence change replaces lysine, which is basic and polar, with arginine, which is basic and polar, at codon 170 of the ITGAM protein (p.Lys170Arg). This variant is present in population databases (rs369194379, gnomAD 0.007%). This variant has not been reported in the literature in individuals affected with ITGAM-related conditions. An algorithm developed to predict the effect of missense changes on protein structure and function (PolyPhen-2) suggests that this variant is likely to be disruptive. In summary, the available evidence is currently insufficient to determine the role of this variant in disease. Therefore, it has been classified as a Variant of Uncertain Significance.